The following is an entry in ClinVar:

NM_006231.4(POLE):c.5135C>T (p.Ala1712Val)

Gene: POLE (DNA polymerase epsilon, catalytic subunit; minus strand). Cytogenetic location: 12q24.33.
Variant type: single nucleotide variant.
Coding change: c.5135C>T on transcript NM_006231.4 (MANE Select); coding-DNA position 5135, C replaced by T.
Protein change: p.Ala1712Val; replaces alanine 1712 with valine.
Molecular consequence: missense variant.
Genome position (GRCh38, 1-based): chr12:132,642,215, G>A on the plus strand (C>T on the coding strand, the complement: POLE is on the minus strand). VCF-style: chr12-132642215-G-A. GRCh37 (hg19) VCF-style: chr12-133218801-G-A.
Other names: short protein forms A1712V.
Identifiers: ClinVar variation 221104 (VCV000221104.90), dbSNP rs5744950, ClinGen allele CA348615.

ClinVar aggregate classification (germline): Benign/Likely benign. Review status: criteria provided, multiple submitters, no conflicts (2 of 4 stars). 14 submissions from 14 submitters: Benign (5); Likely benign (7). 2 of the submissions do not count toward it. Last evaluated 2026-04-01.

Conditions:
Hereditary cancer-predisposing syndrome. Also called: Neoplastic Syndromes, Hereditary; Hereditary Cancer Syndrome; Tumor predisposition; Hereditary neoplastic syndrome. Identifiers: Orphanet 140162, MedGen C0027672, MeSH D009386, MONDO:0015356.
Colorectal cancer, susceptibility to, 12 (CRCS12). Also called: COLORECTAL CANCER, SUSCEPTIBILITY TO, ON CHROMOSOME 12q24. Identifiers: Orphanet 220460, MedGen C3554460, MONDO:0014038, OMIM 615083.
Carcinoma of colon (CRC). Also called: Colonic carcinoma; Colon carcinoma. Identifiers: MedGen C0699790, MONDO:0002032.

Allele frequency attached by ClinVar (database versions not stated): gnomAD exomes 0.00028 and 0.00076; ExAC 0.00111; 1000 Genomes Project 0.00260; gnomAD 0.00322 and 0.00346; 1000 Genomes Project 30x 0.00328; ESP Exome Variant Server 0.00361; TOPMed 0.00362.

Submissions (14):

CeGaT Center for Human Genetics Tuebingen
Classification: Likely benign. Last evaluated: 2026-04-01. Review status: criteria provided, single submitter. Criteria: CeGaT Center For Human Genetics Tuebingen Variant Classification Criteria Version 2. Collection method: clinical testing. Allele origin: germline. Affected: yes. Observed: 5 variant alleles.
Comment: POLE: BP4, BS1

Labcorp Genetics (formerly Invitae), Labcorp
Classification: Benign. Last evaluated: 2026-02-04. Review status: criteria provided, single submitter. Criteria: Invitae Variant Classification Sherloc (09022015). Collection method: clinical testing. Allele origin: germline.

ARUP Laboratories, Molecular Genetics and Genomics, ARUP Laboratories
Classification: Likely benign. Last evaluated: 2024-12-26. Review status: criteria provided, single submitter. Criteria: ARUP Molecular Germline Variant Investigation Process 2024. Collection method: clinical testing. Allele origin: germline.

Blueprint Genetics
Classification: Likely benign. Last evaluated: 2024-10-02. Review status: criteria provided, single submitter. Criteria: ACMG Guidelines, 2015. Collection method: clinical testing. Allele origin: germline.

KCCC/NGS Laboratory, Kuwait Cancer Control Center
Classification: Benign for Colorectal cancer, susceptibility to, 12. Last evaluated: 2023-07-07. Review status: criteria provided, single submitter. Criteria: ACMG Guidelines, 2015. Collection method: clinical testing. Allele origin: germline. Affected: yes.

Women's Health and Genetics/Laboratory Corporation of America, LabCorp
Classification: Benign. Last evaluated: 2018-07-10. Review status: criteria provided, single submitter. Criteria: LabCorp Variant Classification Summary - May 2015. Collection method: clinical testing. Allele origin: germline.
Comment: Variant summary: POLE c.5135C>T (p.Ala1712Val) results in a non-conservative amino acid change located in the DNA polymerase epsilon, catalytic subunit A, C-terminal of the encoded protein sequence. Three of five in-silico tools predict a benign effect of the variant on protein function. The variant was observed with an allele frequency of 0.001 in 270890 control chromosomes (gnomAD), predominantly in the African cohort at an allele frequency of 0.011 (264/23978 chromosomes). The observed variant frequency within African control individuals in the gnomAD database is approximately 774-folds higher than the estimated maximal expected allele frequency for a pathogenic variant in POLE causing Colorectal Cancer phenotype (1.4e-05), strongly suggesting that the variant is a benign polymorphism found primarily in populations of African origin. To our knowledge, no occurrence of c.5135C>T in individuals affected with Colorectal Cancer and no experimental evidence demonstrating its impact on protein function have been reported. Four ClinVar submissions from clinical diagnostic laboratories (evaluation after 2014) cite the variant as "likely benign/benign." Based on the evidence outlined above, the variant was classified as benign.

PreventionGenetics, part of Exact Sciences
Classification: Likely benign. Last evaluated: 2018-01-19. Review status: criteria provided, single submitter. Criteria: ACMG Guidelines, 2015. Collection method: clinical testing. Allele origin: germline.

GeneDx
Classification: Likely benign. Last evaluated: 2018-01-02. Review status: criteria provided, single submitter. Criteria: GeneDx Variant Classification (06012015). Collection method: clinical testing. Allele origin: germline. Affected: yes.
Comment: This variant is considered likely benign or benign based on one or more of the following criteria: it is a conservative change, it occurs at a poorly conserved position in the protein, it is predicted to be benign by multiple in silico algorithms, and/or has population frequency not consistent with disease.

Genetic Services Laboratory, University of Chicago
Classification: Benign. Last evaluated: 2017-11-08. Review status: criteria provided, single submitter. Criteria: ACMG Guidelines, 2015. Collection method: clinical testing. Allele origin: germline. Affected: no.

Quest Diagnostics Nichols Institute San Juan Capistrano
Classification: Benign. Last evaluated: 2017-04-27. Review status: criteria provided, single submitter. Criteria: Quest Diagnostics criteria. Collection method: clinical testing. Allele origin: unknown.

Ambry Genetics
Classification: Likely benign for Hereditary cancer-predisposing syndrome. Last evaluated: 2015-06-25. Review status: criteria provided, single submitter. Criteria: Ambry Variant Classification Scheme 2023. Collection method: clinical testing. Allele origin: germline.

Breakthrough Genomics
Classification: Likely benign. Review status: criteria provided, single submitter. Criteria: ACMG Guidelines, 2015. Collection method: not provided. Allele origin: germline. Inheritance: Autosomal recessive inheritance. Affected: yes.

True Health Diagnostics
Classification: Likely benign for Hereditary cancer-predisposing syndrome. Last evaluated: 2017-09-29. Review status: no assertion criteria provided. Collection method: clinical testing. Allele origin: germline. Not counted in ClinVar's aggregate classification.

Department of Pathology and Laboratory Medicine, Sinai Health System
Classification: Likely benign for Carcinoma of colon. Review status: no assertion criteria provided. Collection method: clinical testing. Allele origin: unknown. Affected: yes. Study: The Canadian Open Genetics Repository (COGR). Not counted in ClinVar's aggregate classification.
Comment: The POLE p.Ala1712Val variant was not identified in the literature nor was it identified in the Cosmic database. The variant was identified in dbSNP (ID: rs5744950) as "With other allele ", ClinVar (classified as benign by Invitae and one clinical laboratory; as likely benign by GeneDx, Ambry Genetics, and two clinical laboratories), and in MutDB, databases. The variant was identified in control databases in 283 of 270890 chromosomes at a frequency of 0.001 increasing the likelihood this could be a low frequency benign variant (Genome Aggregation Database Feb 27, 2017). The variant was observed in the following populations: African in 264 of 23978 chromosomes (freq: 0.01), Other in 2 of 6284 chromosomes (freq: 0.0003), Latino in 17 of 33638 chromosomes (freq: 0.0005), while the variant was not observed in the European, Ashkenazi Jewish, East Asian, Finnish, and South Asian populations. The p.Ala1712 residue is conserved in mammals but not in more distantly related organisms however four out of five computational analyses (PolyPhen-2, SIFT, AlignGVGD, BLOSUM, MutationTaster) do not suggest a high likelihood of impact to the protein; this information is not predictive enough to rule out pathogenicity. The variant occurs outside of the splicing consensus sequence and in silico or computational prediction software programs (SpliceSiteFinder, MaxEntScan, NNSPLICE, GeneSplicer) do not predict a difference in splicing. In summary, based on the above information the clinical significance of this variant cannot be determined with certainty at this time although we would lean towards a more benign role for this variant. This variant is classified as likely benign.